The following is an entry in ClinVar:

ClinVar aggregate classification (germline): Likely benign. Review status: criteria provided, single submitter (1 of 4 stars). 2 submissions from 2 submitters: Likely benign (1). 1 of the submissions does not count toward it. Last evaluated 2025-07-10.

Conditions:
MYH7B-related disorder. Also called: MYH7B-related condition.

Allele frequency attached by ClinVar (database versions not stated): TOPMed 0.00005; gnomAD 0.00009; gnomAD exomes 0.00014; ExAC 0.00021.
gnomAD v4.1: 87 of 1,511,090 alleles (0.0058%); highest among the groups gnomAD compares: Non-Finnish European, 0.0019%; no homozygotes.

Submissions (2):

Labcorp Genetics (formerly Invitae), Labcorp
Classification: Likely benign. Last evaluated: 2025-07-10. Review status: criteria provided, single submitter. Criteria: Invitae Variant Classification Sherloc (09022015). Collection method: clinical testing. Allele origin: germline.

PreventionGenetics, part of Exact Sciences
Classification: Likely benign for MYH7B-related condition. Last evaluated: 2019-11-27. Review status: no assertion criteria provided. Collection method: clinical testing. Allele origin: germline. Not counted in ClinVar's aggregate classification.
Comment: This variant is classified as likely benign based on ACMG/AMP sequence variant interpretation guidelines (Richards et al. 2015 PMID: 25741868, with internal and published modifications).

NM_020884.7(MYH7B):c.3495G>A (p.Ala1165=)

Gene: MYH7B (myosin heavy chain 7B; plus strand). Cytogenetic location: 20q11.22.
Variant type: single nucleotide variant.
Coding change: c.3495G>A on transcript NM_020884.7 (MANE Select); coding-DNA position 3495, G replaced by A.
Protein change: p.Ala1165=; no amino-acid change (alanine 1165 retained).
Molecular consequence: synonymous variant.
Genome position (GRCh38, 1-based): chr20:34,997,388, G>A. VCF-style: chr20-34997388-G-A. GRCh37 (hg19) VCF-style: chr20-33585191-G-A.
Other names: c.3621G>A (NM_020884.4).
Identifiers: ClinVar variation 1577566 (VCV001577566.10), dbSNP rs765482947, ClinGen allele CA9827745.
Genomic context (GRCh38, chr20:34,997,388, plus strand): 5'-GGCGGCGCGGGAGCTGGAGGAGCTGAGCGAGCGGCTGGAGGAGGCAGGCGGCGCATCCGC[G>A]GGGCAGCGCGAGGGCTGCCGCAAGCGGGAGGCGGAGCTGGGGAGGCTGCGGCGGGAGCTG-3'
Protein context (NP_065935.4, residues 1155-1175): ERLEEAGGAS[Ala1165=]GQREGCRKRE